The following is an entry in ClinVar:

NM_172364.5(CACNA2D4):c.2317G>A (p.Val773Met)

Gene: CACNA2D4 (calcium voltage-gated channel auxiliary subunit alpha2delta 4; minus strand). Cytogenetic location: 12p13.33.
Variant type: single nucleotide variant.
Coding change: c.2317G>A on transcript NM_172364.5 (MANE Select); coding-DNA position 2317, G replaced by A.
Protein change: p.Val773Met; replaces valine 773 with methionine.
Molecular consequence: missense variant.
Genome position (GRCh38, 1-based): chr12:1,846,619, C>T on the plus strand (G>A on the coding strand, the complement: CACNA2D4 is on the minus strand). VCF-style: chr12-1846619-C-T. GRCh37 (hg19) VCF-style: chr12-1955785-C-T.
Other names: c.2317G>A (NM_172364.4); short protein forms V773M.
Identifiers: ClinVar variation 1010630 (VCV001010630.9), dbSNP rs745376472, ClinGen allele CA6386748.

ClinVar aggregate classification (germline): Uncertain significance. Review status: criteria provided, multiple submitters, no conflicts (2 of 4 stars). 2 submissions from 2 submitters: Uncertain significance (2). Last evaluated 2025-11-13.

Conditions:
Inborn genetic diseases. Identifiers: MedGen C0950123, MeSH D030342.

Allele frequency attached by ClinVar (database versions not stated): gnomAD 0.00001; gnomAD exomes 0.00001; TOPMed 0.00001; ExAC 0.00003.

Submissions (2):

Labcorp Genetics (formerly Invitae), Labcorp
Classification: Uncertain significance. Last evaluated: 2025-11-13. Review status: criteria provided, single submitter. Criteria: Invitae Variant Classification Sherloc (09022015). Collection method: clinical testing. Allele origin: germline.
Comment: This sequence change replaces valine, which is neutral and non-polar, with methionine, which is neutral and non-polar, at codon 773 of the CACNA2D4 protein (p.Val773Met). The frequency data for this variant in the population databases is considered unreliable, as metrics indicate poor data quality at this position in the gnomAD database. This variant has not been reported in the literature in individuals affected with CACNA2D4-related conditions. ClinVar contains an entry for this variant (Variation ID: 1010630). An algorithm developed to predict the effect of missense changes on protein structure and function (PolyPhen-2) suggests that this variant is likely to be disruptive. In summary, the available evidence is currently insufficient to determine the role of this variant in disease. Therefore, it has been classified as a Variant of Uncertain Significance.

Ambry Genetics
Classification: Uncertain significance for Inborn genetic diseases. Last evaluated: 2025-08-02. Review status: criteria provided, single submitter. Criteria: Ambry Variant Classification Scheme 2023. Collection method: clinical testing. Allele origin: germline.